The following is an entry in ClinVar:

NM_001319217.2(CYP1A1):c.1020G>A (p.Gln340=)

Gene: CYP1A1 (cytochrome P450 family 1 subfamily A member 1; minus strand). Cytogenetic location: 15q24.1.
Variant type: single nucleotide variant.
Coding change: c.1020G>A on transcript NM_001319217.2 (MANE Select); coding-DNA position 1020, G replaced by A.
Protein change: p.Gln340=; no amino-acid change (glutamine 340 retained).
Molecular consequence: synonymous variant.
Genome position (GRCh38, 1-based): chr15:74,721,436, C>T on the plus strand (G>A on the coding strand, the complement: CYP1A1 is on the minus strand). VCF-style: chr15-74721436-C-T. GRCh37 (hg19) VCF-style: chr15-75013777-C-T.
Other names: c.1020G>A, p.Gln340= (NM_000499.5, NM_001319216.2).
Identifiers: ClinVar variation 3357787 (VCV003357787.1).

ClinVar aggregate classification (germline): Likely benign (0 of 4 stars; one submission).

Conditions:
CYP1A1-related disorder. Also called: CYP1A1-related condition.

gnomAD v4.1: 10 of 1,614,064 alleles (0.00062%); highest among the groups gnomAD compares: Non-Finnish European, 0.00085%; no homozygotes.

Submission:

PreventionGenetics, part of Exact Sciences
Classification: Likely benign for CYP1A1-related condition. Last evaluated: 2019-08-20. Review status: no assertion criteria provided. Collection method: clinical testing. Allele origin: germline.
Comment: This variant is classified as likely benign based on ACMG/AMP sequence variant interpretation guidelines (Richards et al. 2015 PMID: 25741868, with internal and published modifications).